The following is an entry in ClinVar:

NM_020911.2(PLXNA4):c.2716G>T (p.Asp906Tyr)

Gene: PLXNA4 (plexin A4; minus strand). Cytogenetic location: 7q32.3.
Variant type: single nucleotide variant.
Coding change: c.2716G>T on transcript NM_020911.2 (MANE Select); coding-DNA position 2716, G replaced by T.
Protein change: p.Asp906Tyr; replaces aspartic acid 906 with tyrosine.
Molecular consequence: missense variant.
Genome position (GRCh38, 1-based): chr7:132,198,507, C>A on the plus strand (G>T on the coding strand, the complement: PLXNA4 is on the minus strand). VCF-style: chr7-132198507-C-A. GRCh37 (hg19) VCF-style: chr7-131883266-C-A.
Other names: c.2716G>T, p.Asp906Tyr (NM_001393897.1); short protein forms D906Y.
Identifiers: ClinVar variation 4999781 (VCV004999781.1).

ClinVar aggregate classification (germline): Uncertain significance (1 of 4 stars; one submission).

Conditions:
PLXNA4-related disorder. Also called: PLXNA4-related condition.

gnomAD v4.1: 1 of 1,614,198 alleles (0.000062%); highest among the groups gnomAD compares: Non-Finnish European, 0.000085%; no homozygotes.

Submission:

PreventionGenetics, part of Exact Sciences
Classification: Uncertain significance for PLXNA4-related condition. Last evaluated: 2024-11-28. Review status: criteria provided, single submitter. Criteria: ACMG Guidelines, 2015. Collection method: clinical testing. Allele origin: germline.
Comment: The PLXNA4 c.2716G>T variant is predicted to result in the amino acid substitution p.Asp906Tyr. To our knowledge, this variant has not been reported in the literature or in a large population database (gnomAD), indicating this variant is rare. At this time, the clinical significance of this variant is uncertain due to the absence of conclusive functional and genetic evidence.